The following is an entry in ClinVar:

ClinVar aggregate classification (germline): Uncertain significance. Review status: criteria provided, multiple submitters, no conflicts (2 of 4 stars). 6 submissions from 6 submitters: Uncertain significance (5). 1 of the submissions does not count toward it. Last evaluated 2024-03-06.

Conditions:
Wilson disease (WND). Also called: Wilson's disease. Identifiers: Orphanet 905, MedGen C0019202, MONDO:0010200, OMIM 277900. Disease mechanism: loss of function.

Allele frequency attached by ClinVar (database versions not stated): gnomAD exomes below 0.00001 and 0.00001; TOPMed below 0.00001.
gnomAD v4.1: 20 of 1,614,036 alleles (0.0012%); highest among the groups gnomAD compares: Middle Eastern, 0.033%; no homozygotes.

Submissions (6):

Color Diagnostics, LLC DBA Color Health
Classification: Uncertain significance for Wilson disease. Last evaluated: 2024-03-06. Review status: criteria provided, single submitter. Criteria: ACMG Guidelines, 2015. Collection method: clinical testing. Allele origin: germline.
Comment: This missense variant replaces aspartic acid with glycine at codon 1093 of the ATP7B protein. Computational prediction suggests that this variant may have deleterious impact on protein structure and function. To our knowledge, functional studies have not been reported for this variant. This variant has not been reported in individuals affected with ATP7B-related disorders in the literature. This variant has been identified in 1/249574 chromosomes in the general population by the Genome Aggregation Database (gnomAD). The available evidence is insufficient to determine the role of this variant in disease conclusively. Therefore, this variant is classified as a Variant of Uncertain Significance.

Fulgent Genetics
Classification: Uncertain significance for Wilson disease. Last evaluated: 2023-12-29. Review status: criteria provided, single submitter. Criteria: ACMG Guidelines, 2015. Collection method: clinical testing. Allele origin: germline.

All of Us Research Program, National Institutes of Health
Classification: Uncertain significance for Wilson disease. Last evaluated: 2023-12-13. Review status: criteria provided, single submitter. Criteria: ACMG Guidelines, 2015. Collection method: clinical testing. Allele origin: germline. Inheritance: Autosomal recessive inheritance. Observed: 3 variant alleles, 3 heterozygotes.
Comment: This missense variant replaces aspartic acid with glycine at codon 1093 of the ATP7B protein. Computational prediction suggests that this variant may have deleterious impact on protein structure and function (internally defined REVEL score threshold >= 0.7, PMID: 27666373). To our knowledge, functional studies have not been reported for this variant. This variant has not been reported in individuals affected with ATP7B-related disorders in the literature. This variant has been identified in 1/249574 chromosomes in the general population by the Genome Aggregation Database (gnomAD). The available evidence is insufficient to determine the role of this variant in disease conclusively. Therefore, this variant is classified as a Variant of Uncertain Significance.

This study involves interpretation of variants in research participants for the purpose of population health screening. Participant phenotype was not available at the time of variant classification. Additional details can be found in publication PMID: 35346344, PMCID: PMC8962531

GeneDx
Classification: Uncertain significance. Last evaluated: 2023-02-17. Review status: criteria provided, single submitter. Criteria: GeneDx Variant Classification Process June 2021. Collection method: clinical testing. Allele origin: germline. Affected: yes.
Comment: Not observed at significant frequency in large population cohorts (gnomAD); In silico analysis supports that this missense variant has a deleterious effect on protein structure/function; Has not been previously published as pathogenic or benign to our knowledge

Labcorp Genetics (formerly Invitae), Labcorp
Classification: Uncertain significance for Wilson disease. Last evaluated: 2022-02-24. Review status: criteria provided, single submitter. Criteria: Invitae Variant Classification Sherloc (09022015). Collection method: clinical testing. Allele origin: germline.
Comment: This sequence change replaces aspartic acid, which is acidic and polar, with glycine, which is neutral and non-polar, at codon 1093 of the ATP7B protein (p.Asp1093Gly). This variant is present in population databases (no rsID available, gnomAD 0.003%). This variant has not been reported in the literature in individuals affected with ATP7B-related conditions. ClinVar contains an entry for this variant (Variation ID: 857095). Algorithms developed to predict the effect of missense changes on protein structure and function are either unavailable or do not agree on the potential impact of this missense change (SIFT: "Tolerated"; PolyPhen-2: "Probably Damaging"; Align-GVGD: "Class C0"). In summary, the available evidence is currently insufficient to determine the role of this variant in disease. Therefore, it has been classified as a Variant of Uncertain Significance.

Natera, Inc.
Classification: Uncertain significance for Wilson disease. Last evaluated: 2020-02-17. Review status: no assertion criteria provided. Collection method: clinical testing. Allele origin: germline. Not counted in ClinVar's aggregate classification.

NM_000053.4(ATP7B):c.3278A>G (p.Asp1093Gly)

Gene: ATP7B (ATPase copper transporting beta; minus strand). Cytogenetic location: 13q14.3.
Variant type: single nucleotide variant.
Coding change: c.3278A>G on transcript NM_000053.4 (MANE Select); coding-DNA position 3278, A replaced by G.
Protein change: p.Asp1093Gly; replaces aspartic acid 1093 with glycine.
Molecular consequence: missense variant.
Genome position (GRCh38, 1-based): chr13:51,942,520, T>C on the plus strand (A>G on the coding strand, the complement: ATP7B is on the minus strand). VCF-style: chr13-51942520-T-C. GRCh37 (hg19) VCF-style: chr13-52516656-T-C.
Other names: c.2657A>G, p.Asp886Gly (NM_001005918.3); c.2945A>G, p.Asp982Gly (NM_001243182.2); c.3044A>G, p.Asp1015Gly (NM_001330578.2); c.3026A>G, p.Asp1009Gly (NM_001330579.2); short protein forms D1015G, D886G, D1009G, D1093G, D982G.
Identifiers: ClinVar variation 857095 (VCV000857095.13), dbSNP rs1022670769, ClinGen allele CA250078566.